The following is an entry in ClinVar:

NM_000018.4(ACADVL):c.1231T>G (p.Phe411Val)

Gene: ACADVL (acyl-CoA dehydrogenase very long chain; plus strand). Cytogenetic location: 17p13.1.
Variant type: single nucleotide variant.
Coding change: c.1231T>G on transcript NM_000018.4 (MANE Select); coding-DNA position 1231, T replaced by G.
Protein change: p.Phe411Val; replaces phenylalanine 411 with valine.
Molecular consequence: missense variant.
Genome position (GRCh38, 1-based): chr17:7,223,692, T>G. VCF-style: chr17-7223692-T-G. GRCh37 (hg19) VCF-style: chr17-7127011-T-G.
Other names: c.1165T>G, p.Phe389Val (NM_001033859.3); c.1300T>G, p.Phe434Val (NM_001270447.2); c.1003T>G, p.Phe335Val (NM_001270448.2); short protein forms F335V, F389V, F411V, F434V.
Identifiers: ClinVar variation 4883341 (VCV004883341.2).
Genomic context (GRCh38, chr17:7,223,692, plus strand): 5'-ATGCAACCTCAGTCCATGGCTTACATGGTGAGTGCTAACATGGACCAGGGAGCCACGGAC[T>G]TCCAGATAGAGGCCGCCATCAGCAAAATCTTTGGCTCGGTGAGGTCCCAGGCATGCTGGG-3'
Protein context (NP_000009.1, residues 401-421): SANMDQGATD[Phe411Val]QIEAAISKIF

ClinVar aggregate classification (germline): Uncertain significance (1 of 4 stars; one submission).

gnomAD v4.1: 1 of 1,614,132 alleles (0.000062%); highest among the groups gnomAD compares: Admixed American, 0.0017%; no homozygotes.

Submission:

Dasa
Classification: Uncertain significance. Last evaluated: 2025-05-29. Review status: criteria provided, single submitter. Criteria: DASA Assertion Criteria. Collection method: clinical testing. Allele origin: germline.
Comment: NM_000018.4(ACADVL):c.1231T>G (p.Phe411Val) is a missense variant that results in the substitution of phenylalanine with valine. This variant is rare in population databases. Computational prediction algorithms are consistent with a deleterious effect. The currently available literature and clinical evidence are not sufficient to establish a definitive association between this variant and the reported condition. Therefore, this variant is classified as a variant of uncertain significance.